The following is an entry in ClinVar:

ClinVar aggregate classification (germline): Conflicting classifications of pathogenicity. Review status: criteria provided, conflicting classifications (1 of 4 stars). 5 submissions from 5 submitters: Uncertain significance (2); Benign (1); Likely benign (1). 1 of the submissions does not count toward it. Last evaluated 2025-08-01.

Conditions:
Retinitis pigmentosa (RP). Identifiers: Orphanet 791, MedGen C0035334, MeSH D012174, MONDO:0019200, OMIM 268000. Inheritance: Autosomal dominant, autosomal recessive and X linked inheritance.
Inborn genetic diseases. Identifiers: MedGen C0950123, MeSH D030342.
Autosomal recessive retinitis pigmentosa. Identifiers: MedGen C0339526.

Allele frequency attached by ClinVar (database versions not stated): gnomAD exomes 0.00001; gnomAD 0.00002 and 0.00003; TOPMed 0.00003; ExAC 0.00005.
gnomAD v4.1: 42 of 1,547,470 alleles (0.0027%); highest among the groups gnomAD compares: African/African-American, 0.018%; no homozygotes.

Submissions (5):

Ambry Genetics
Classification: Likely benign for Inborn genetic diseases. Last evaluated: 2025-08-01. Review status: criteria provided, single submitter. Criteria: Ambry Variant Classification Scheme 2023. Collection method: clinical testing. Allele origin: germline.

Labcorp Genetics (formerly Invitae), Labcorp
Classification: Uncertain significance. Last evaluated: 2022-09-07. Review status: criteria provided, single submitter. Criteria: Invitae Variant Classification Sherloc (09022015). Collection method: clinical testing. Allele origin: germline.
Comment: This sequence change replaces arginine, which is basic and polar, with cysteine, which is neutral and slightly polar, at codon 667 of the EYS protein (p.Arg667Cys). This variant is present in population databases (rs765763663, gnomAD 0.01%). This variant has not been reported in the literature in individuals affected with EYS-related conditions. ClinVar contains an entry for this variant (Variation ID: 909089). Algorithms developed to predict the effect of missense changes on protein structure and function output the following: SIFT: "Tolerated"; PolyPhen-2: "Benign"; Align-GVGD: "Class C0". The cysteine amino acid residue is found in multiple mammalian species, which suggests that this missense change does not adversely affect protein function. In summary, the available evidence is currently insufficient to determine the role of this variant in disease. Therefore, it has been classified as a Variant of Uncertain Significance.

Mendelics
Classification: Benign. Last evaluated: 2022-05-04. Review status: criteria provided, single submitter. Criteria: Mendelics Assertion Criteria 2019. Collection method: clinical testing. Allele origin: germline.

Illumina Laboratory Services, Illumina
Classification: Uncertain significance for Retinitis pigmentosa. Last evaluated: 2018-01-13. Review status: criteria provided, single submitter. Criteria: ICSL Variant Classification Criteria 13 December 2019. Collection method: clinical testing. Allele origin: germline.

Natera, Inc.
Classification: Uncertain significance for Autosomal recessive retinitis pigmentosa. Last evaluated: 2020-08-06. Review status: no assertion criteria provided. Collection method: clinical testing. Allele origin: germline. Not counted in ClinVar's aggregate classification.

NM_001142800.2(EYS):c.1999C>T (p.Arg667Cys)

Gene: EYS (EGF-like photoreceptor maintenance factor; minus strand). Cytogenetic location: 6q12.
Variant type: single nucleotide variant.
Coding change: c.1999C>T on transcript NM_001142800.2 (MANE Select); coding-DNA position 1999, C replaced by T.
Protein change: p.Arg667Cys; replaces arginine 667 with cysteine.
Molecular consequence: missense variant.
Genome position (GRCh38, 1-based): chr6:65,295,887, G>A on the plus strand (C>T on the coding strand, the complement: EYS is on the minus strand). VCF-style: chr6-65295887-G-A. GRCh37 (hg19) VCF-style: chr6-66005780-G-A.
Other names: c.1999C>T, p.Arg667Cys (NM_001292009.2); short protein forms R667C.
Identifiers: ClinVar variation 909089 (VCV000909089.9), dbSNP rs765763663, ClinGen allele CA3877356.